The following is an entry in ClinVar:

ClinVar aggregate classification (germline): Uncertain significance (1 of 4 stars; one submission).

Conditions:
Rhabdoid tumor predisposition syndrome 2 (RTPS2). Identifiers: Orphanet 231108, Orphanet 69077, MedGen C2750074, MONDO:0013224, OMIM 613325.

Submission:

Labcorp Genetics (formerly Invitae), Labcorp
Classification: Uncertain significance for Rhabdoid tumor predisposition syndrome 2. Last evaluated: 2020-07-30. Review status: criteria provided, single submitter. Criteria: Invitae Variant Classification Sherloc (09022015). Collection method: clinical testing. Allele origin: germline.
Comment: This variant has not been reported in the literature in individuals with SMARCA4-related conditions. In summary, the available evidence is currently insufficient to determine the role of this variant in disease. Therefore, it has been classified as a Variant of Uncertain Significance. Nucleotide substitutions within the consensus splice site are a relatively common cause of aberrant splicing (PMID: 17576681, 9536098). Algorithms developed to predict the effect of sequence changes on RNA splicing suggest that this variant may disrupt the consensus splice site, but this prediction has not been confirmed by published transcriptional studies. This variant is not present in population databases (ExAC no frequency). This sequence change falls in intron 3 of the SMARCA4 gene. It does not directly change the encoded amino acid sequence of the SMARCA4 protein, but it affects a nucleotide within the consensus splice site of the intron.

Literature cited by the submitters: PubMed 17576681; PubMed 9536098.

NM_003072.5(SMARCA4):c.355+6G>A

Gene: SMARCA4 (SWI/SNF related BAF chromatin remodeling complex subunit ATPase 4; plus strand). Cytogenetic location: 19p13.2.
Variant type: single nucleotide variant.
Coding change: c.355+6G>A on transcript NM_003072.5 (MANE Select); 6 bases into the intron after coding-DNA position 355, G replaced by A.
Molecular consequence: intron variant.
Genome position (GRCh38, 1-based): chr19:10,985,411, G>A. VCF-style: chr19-10985411-G-A. GRCh37 (hg19) VCF-style: chr19-11096087-G-A.
Other names: c.355+6G>A (NM_001128844.3, NM_001128849.3, NM_001128847.4 and 4 more transcripts).
Identifiers: ClinVar variation 938117 (VCV000938117.9), dbSNP rs2085939729, ClinGen allele CA1139666252.